The following is an entry in ClinVar:

ClinVar aggregate classification (germline): Uncertain significance (1 of 4 stars; one submission).

Allele frequency attached by ClinVar (database versions not stated): gnomAD exomes below 0.00001.
gnomAD v4.1: 1 of 1,614,240 alleles (0.000062%); highest among the groups gnomAD compares: Non-Finnish European, 0.000085%; no homozygotes.

Submission:

GeneDx
Classification: Uncertain significance. Last evaluated: 2019-06-20. Review status: criteria provided, single submitter. Criteria: GeneDx Variant Classification Process June 2021. Collection method: clinical testing. Allele origin: germline. Affected: yes.
Comment: Not observed in large population cohorts (Lek et al., 2016); In silico analysis, which includes protein predictors and evolutionary conservation, supports a deleterious effect; Has not been previously published as pathogenic or benign to our knowledge

NM_000540.3(RYR1):c.9281C>T (p.Ser3094Phe)

Gene: RYR1 (ryanodine receptor 1; plus strand). Cytogenetic location: 19q13.2.
Variant type: single nucleotide variant.
Coding change: c.9281C>T on transcript NM_000540.3 (MANE Select); coding-DNA position 9281, C replaced by T.
Protein change: p.Ser3094Phe; replaces serine 3094 with phenylalanine.
Molecular consequence: missense variant.
Genome position (GRCh38, 1-based): chr19:38,512,292, C>T. VCF-style: chr19-38512292-C-T. GRCh37 (hg19) VCF-style: chr19-39002932-C-T.
Other names: c.9281C>T, p.Ser3094Phe (NM_001042723.2); short protein forms S3094F.
Identifiers: ClinVar variation 1306304 (VCV001306304.2), dbSNP rs2145662654, ClinGen allele CA405686333.
Genomic context (GRCh38, chr19:38,512,292, plus strand): 5'-GCTGCCCTTCTAGGACAGTGATGAAGTCAGGCCCTGAGATCGTGAAGGCTGGCCTCCGCT[C>T]CTTCTTCGAGAGTGCCTCGGAGGACATCGAGAAGATGGTGGAGAACCTGCGGCTGGGCAA-3'
Protein context (NP_000531.2, residues 3084-3104): GPEIVKAGLR[Ser3094Phe]FFESASEDIE